The following is an entry in ClinVar:

NM_016222.4(DDX41):c.1230+1G>T

Gene: DDX41 (DEAD-box helicase 41; minus strand). Cytogenetic location: 5q35.3.
Variant type: single nucleotide variant.
Coding change: c.1230+1G>T on transcript NM_016222.4 (MANE Select); the canonical splice donor site of the intron after coding-DNA position 1230, G replaced by T.
Molecular consequence: splice donor variant.
Genome position (GRCh38, 1-based): chr5:177,513,352, C>A on the plus strand (G>T on the coding strand, the complement: DDX41 is on the minus strand). VCF-style: chr5-177513352-C-A. GRCh37 (hg19) VCF-style: chr5-176940353-C-A.
Other names: c.852+1G>T (NM_001321830.2, NM_001321732.2).
Identifiers: ClinVar variation 3766148 (VCV003766148.1).

ClinVar aggregate classification (germline): Likely pathogenic (1 of 4 stars; one submission).

Submission:

GeneDx
Classification: Likely pathogenic. Last evaluated: 2024-09-03. Review status: criteria provided, single submitter. Criteria: GeneDx Variant Classification Process June 2021. Collection method: clinical testing. Allele origin: germline. Affected: yes.
Comment: Canonical splice site variant predicted to result in an in-frame loss of the adjacent exon in a gene for which loss of function is a known mechanism of disease; Not observed at significant frequency in large population cohorts (gnomAD); Has not been previously published as pathogenic or benign to our knowledge